The following is an entry in ClinVar:

ClinVar aggregate classification (germline): Conflicting classifications of pathogenicity. Review status: criteria provided, conflicting classifications (1 of 4 stars). 2 submissions from 2 submitters: Uncertain significance (1); Likely benign (1). Last evaluated 2026-06-01.

Conditions:
ARID1B-Related Disorder. Identifiers: MedGen CN381337.

Submissions (2):

CeGaT Center for Human Genetics Tuebingen
Classification: Likely benign. Last evaluated: 2026-06-01. Review status: criteria provided, single submitter. Criteria: CeGaT Center For Human Genetics Tuebingen Variant Classification Criteria Version 2. Collection method: clinical testing. Allele origin: germline. Affected: yes. Observed: 1 variant allele.
Comment: ARID1B: BP3

PreventionGenetics, part of Exact Sciences
Classification: Uncertain significance for ARID1B-related condition. Last evaluated: 2024-11-22. Review status: criteria provided, single submitter. Criteria: ACMG Guidelines, 2015. Collection method: clinical testing. Allele origin: germline.
Comment: The ARID1B c.288_308del21 variant is predicted to result in an in-frame deletion (p.Ala97_His103del). To our knowledge, this variant has not been reported in the literature. This variant is reported in 0.0039% of alleles in individuals of European (Non-Finnish) descent in gnomAD. At this time, the clinical significance of this variant is uncertain due to the absence of conclusive functional and genetic evidence.

NM_001374828.1(ARID1B):c.537_557del (p.Ala180_His186del)

Genes: ARID1B (AT-rich interaction domain 1B; plus strand), LOC115308161 (uncharacterized LOC115308161; minus strand). Cytogenetic location: 6q25.3.
Variant type: Deletion.
Coding change: c.537_557del on transcript NM_001374828.1 (MANE Select); coding-DNA positions 537 to 557, 21 bases deleted (TGCCCACCACCTCCACCACCA).
Protein change: p.Ala180_His186del.
Molecular consequence: inframe deletion.
Genome position (GRCh38, 1-based): chr6:156,778,217-156,778,237, TGCCCACCACCTCCACCACCA deleted; deleting any 21 consecutive bases within chr6:156,778,208-156,778,237 gives the same sequence; the c. name uses the placement nearest the transcript's 3' end. VCF-style (leftmost placement, unchanged base first): chr6-156778207-ACCACCACCATGCCCACCACCT-A. GRCh37 (hg19) VCF-style: chr6-157099341-ACCACCACCATGCCCACCACCT-A.
Other names: c.288_308del21 (NM_020732.3); c.537_557del, p.Ala180_His186del (NM_001371656.1, NM_001374820.1, NM_001438482.1 and 9 more transcripts).
Identifiers: ClinVar variation 4873279 (VCV004873279.3).
Genomic context (GRCh38, chr6:156,778,207, plus strand): 5'-GCGAAGCCCCCGCCGCGCCGCCCCACCAGCAGCACCACCACCACCACCATGCCCACCACC[ACCACCACCATGCCCACCACCT>A]CCACCACCACCACGCACTACAGCAGCAGCTAAACCAGTTCCAGCAGCAGCAGCAGCAGCA-3'